The following is an entry in ClinVar:

NM_005529.7(HSPG2):c.12040C>T (p.His4014Tyr)

Gene: HSPG2 (heparan sulfate proteoglycan 2; minus strand). Cytogenetic location: 1p36.12.
Variant type: single nucleotide variant.
Coding change: c.12040C>T on transcript NM_005529.7 (MANE Select); coding-DNA position 12040, C replaced by T.
Protein change: p.His4014Tyr; replaces histidine 4014 with tyrosine.
Molecular consequence: missense variant.
Genome position (GRCh38, 1-based): chr1:21,829,032, G>A on the plus strand (C>T on the coding strand, the complement: HSPG2 is on the minus strand). VCF-style: chr1-21829032-G-A. GRCh37 (hg19) VCF-style: chr1-22155525-G-A.
Other names: c.12043C>T, p.His4015Tyr (NM_001291860.2); short protein forms H4014Y, H4015Y.
Identifiers: ClinVar variation 2218727 (VCV002218727.3), dbSNP rs771862177, ClinGen allele CA669534.
Genomic context (GRCh38, chr1:21,829,032, plus strand): 5'-GGCGTCCACCATTCACCCGCAGGCTGCCGTCCTTGTTGAGACGCTCTGCAGACACACGGT[G>A]CCAGCGGCCCAGGGCCAGCGGCTCGGCGCTCCGCAGAACGGCCAGCCCTGGGGAGGATGC-3'
Protein context (NP_005520.4, residues 4004-4024): SAEPLALGRW[His4014Tyr]RVSAERLNKD

ClinVar aggregate classification (germline): Uncertain significance. Review status: criteria provided, multiple submitters, no conflicts (2 of 4 stars). 2 submissions from 2 submitters: Uncertain significance (2). Last evaluated 2024-12-18.

Conditions:
Inborn genetic diseases. Identifiers: MedGen C0950123, MeSH D030342.

Allele frequency attached by ClinVar (database versions not stated): gnomAD 0.00001.
gnomAD v4.1: 49 of 1,551,170 alleles (0.0032%); highest among the groups gnomAD compares: South Asian, 0.055%; 2 homozygotes.

Submissions (2):

GeneDx
Classification: Uncertain significance. Last evaluated: 2024-12-18. Review status: criteria provided, single submitter. Criteria: GeneDx Variant Classification Process June 2021. Collection method: clinical testing. Allele origin: germline. Affected: yes.
Comment: In silico analysis supports that this missense variant has a deleterious effect on protein structure/function; Has not been previously published as pathogenic or benign to our knowledge

Ambry Genetics
Classification: Uncertain significance for Inborn genetic diseases. Last evaluated: 2022-03-29. Review status: criteria provided, single submitter. Criteria: Ambry Variant Classification Scheme 2023. Collection method: clinical testing. Allele origin: germline.